The following is an entry in ClinVar:

ClinVar aggregate classification (germline): Benign/Likely benign. Review status: criteria provided, multiple submitters, no conflicts (2 of 4 stars). 5 submissions from 5 submitters: Benign (1); Likely benign (3). 1 of the submissions does not count toward it. Last evaluated 2024-11-27.

Conditions:
Inborn genetic diseases. Identifiers: MedGen C0950123, MeSH D030342.
LINS1-related disorder. Also called: LINS1-related condition.

Allele frequency attached by ClinVar (database versions not stated): gnomAD exomes 0.00026 and 0.00067; ExAC 0.00088; gnomAD 0.00253 and 0.00269; TOPMed 0.00282; ESP Exome Variant Server 0.00338; 1000 Genomes Project 0.00359; 1000 Genomes Project 30x 0.00406.
gnomAD v4.1: 806 of 1,614,120 alleles (0.05%); highest among the groups gnomAD compares: African/African-American, 0.87%; 2 homozygotes.

Submissions (5):

Blueprint Genetics
Classification: Likely benign. Last evaluated: 2024-11-27. Review status: criteria provided, single submitter. Criteria: ACMG Guidelines, 2015. Collection method: clinical testing. Allele origin: germline.

CeGaT Center for Human Genetics Tuebingen
Classification: Likely benign. Last evaluated: 2024-09-01. Review status: criteria provided, single submitter. Criteria: CeGaT Center For Human Genetics Tuebingen Variant Classification Criteria Version 2. Collection method: clinical testing. Allele origin: germline. Affected: yes. Observed: 1 variant allele.
Comment: LINS1: BP4, BP7

Labcorp Genetics (formerly Invitae), Labcorp
Classification: Benign. Last evaluated: 2019-12-31. Review status: criteria provided, single submitter. Criteria: Invitae Variant Classification Sherloc (09022015). Collection method: clinical testing. Allele origin: germline.

Ambry Genetics
Classification: Likely benign for Inborn genetic diseases. Last evaluated: 2016-05-11. Review status: criteria provided, single submitter. Criteria: Ambry Variant Classification Scheme 2023. Collection method: clinical testing. Allele origin: germline.

PreventionGenetics, part of Exact Sciences
Classification: Benign for LINS1-related condition. Last evaluated: 2019-04-10. Review status: no assertion criteria provided. Collection method: clinical testing. Allele origin: germline. Not counted in ClinVar's aggregate classification.
Comment: This variant is classified as benign based on ACMG/AMP sequence variant interpretation guidelines (Richards et al. 2015 PMID: 25741868, with internal and published modifications).

NM_001040616.3(LINS1):c.1302G>A (p.Pro434=)

Gene: LINS1 (lines homolog 1; minus strand). Cytogenetic location: 15q26.3.
Variant type: single nucleotide variant.
Coding change: c.1302G>A on transcript NM_001040616.3 (MANE Select); coding-DNA position 1302, G replaced by A.
Protein change: p.Pro434=; no amino-acid change (proline 434 retained).
Molecular consequence: synonymous variant. On other transcripts: non-coding transcript variant (3), intron variant (1).
Genome position (GRCh38, 1-based): chr15:100,571,986, C>T on the plus strand (G>A on the coding strand, the complement: LINS1 is on the minus strand). VCF-style: chr15-100571986-C-T. GRCh37 (hg19) VCF-style: chr15-101112191-C-T.
Other names: c.555G>A, p.Pro185= (NM_001352507.2); c.1178-29G>A (NM_001352508.2).
Identifiers: ClinVar variation 587891 (VCV000587891.26), dbSNP rs148166631, ClinGen allele CA7759456.